The following is an entry in ClinVar:

ClinVar aggregate classification (germline): Benign. Review status: criteria provided, multiple submitters, no conflicts (2 of 4 stars). 8 submissions from 8 submitters: Benign (6). 2 of the submissions do not count toward it. Last evaluated 2026-02-02.

Conditions:
Holoprosencephaly 11 (HPE11). Identifiers: Orphanet 2162, MedGen C3280215, MONDO:0013642, OMIM 614226.

Allele frequency attached by ClinVar (database versions not stated): 1000 Genomes Project 0.26757; 1000 Genomes Project 30x 0.27217; gnomAD 0.31531; TOPMed 0.31748; ESP Exome Variant Server 0.33400.
gnomAD v4.1: 438,494 of 1,613,168 alleles (27%); highest among the groups gnomAD compares: African/African-American, 46%; 62,717 homozygotes.

Submissions (8):

Labcorp Genetics (formerly Invitae), Labcorp
Classification: Benign for Holoprosencephaly 11. Last evaluated: 2026-02-02. Review status: criteria provided, single submitter. Criteria: Invitae Variant Classification Sherloc (09022015). Collection method: clinical testing. Allele origin: germline.

Blueprint Genetics
Classification: Benign. Last evaluated: 2024-11-27. Review status: criteria provided, single submitter. Criteria: ACMG Guidelines, 2015. Collection method: clinical testing. Allele origin: germline.

GeneDx
Classification: Benign. Last evaluated: 2018-11-10. Review status: criteria provided, single submitter. Criteria: GeneDx Variant Classification Process June 2021. Collection method: clinical testing. Allele origin: germline. Affected: yes.

Illumina Laboratory Services, Illumina
Classification: Benign for Holoprosencephaly 11. Last evaluated: 2018-01-12. Review status: criteria provided, single submitter. Criteria: ICSL Variant Classification Criteria 13 December 2019. Collection method: clinical testing. Allele origin: germline.
Comment: This variant was observed in the ICSL laboratory as part of a predisposition screen in an ostensibly healthy population. It had not been previously curated by ICSL or reported in the Human Gene Mutation Database (HGMD: prior to June 1st, 2018), and was therefore a candidate for classification through an automated scoring system. Utilizing variant allele frequency, disease prevalence and penetrance estimates, and inheritance mode, an automated score was calculated to assess if this variant is too frequent to cause the disease. Based on the score and internal cut-off values, a variant classified as benign is not then subjected to further curation. The score for this variant resulted in a classification of benign for this disease.

Breakthrough Genomics
Classification: Benign. Review status: criteria provided, single submitter. Criteria: ACMG Guidelines, 2015. Collection method: not provided. Allele origin: germline. Inheritance: Autosomal dominant inheritance. Affected: yes.

PreventionGenetics, part of Exact Sciences
Classification: Benign. Review status: criteria provided, single submitter. Criteria: ACMG Guidelines, 2015. Collection method: clinical testing. Allele origin: germline.

Clinical Genetics, Academic Medical Center
Classification: Benign. Review status: no assertion criteria provided. Collection method: clinical testing. Allele origin: germline. Affected: yes. Study: VKGL Data-share Consensus. Not counted in ClinVar's aggregate classification.

Diagnostic Laboratory, Department of Genetics, University Medical Center Groningen
Classification: Benign. Review status: no assertion criteria provided. Collection method: clinical testing. Allele origin: germline. Affected: yes. Study: VKGL Data-share Consensus. Not counted in ClinVar's aggregate classification.

NM_001378964.1(CDON):c.3039C>T (p.Asn1013=)

Gene: CDON (cell adhesion associated, oncogene regulated; minus strand). Cytogenetic location: 11q24.2.
Variant type: single nucleotide variant.
Coding change: c.3039C>T on transcript NM_001378964.1 (MANE Select); coding-DNA position 3039, C replaced by T.
Protein change: p.Asn1013=; no amino-acid change (asparagine 1013 retained).
Molecular consequence: synonymous variant.
Genome position (GRCh38, 1-based): chr11:125,981,286, G>A on the plus strand (C>T on the coding strand, the complement: CDON is on the minus strand). VCF-style: chr11-125981286-G-A. GRCh37 (hg19) VCF-style: chr11-125851181-G-A.
Other names: c.3039C>T, p.Asn1013= (NM_001243597.3, NM_016952.6).
Identifiers: ClinVar variation 260791 (VCV000260791.20), dbSNP rs684805, ClinGen allele CA6351520.